The following is an entry in ClinVar:

ClinVar aggregate classification (germline): Pathogenic. Review status: criteria provided, multiple submitters, no conflicts (2 of 4 stars). 2 submissions from 2 submitters: Pathogenic (2). Last evaluated 2025-01-27.

Conditions:
PDE6B-related disorder. Also called: PDE6B-related disease; PDE6B-related condition; PDE6B-related disorders.

Submissions (2):

Labcorp Genetics (formerly Invitae), Labcorp
Classification: Pathogenic. Last evaluated: 2025-01-27. Review status: criteria provided, single submitter. Criteria: Invitae Variant Classification Sherloc (09022015). Collection method: clinical testing. Allele origin: germline.
Comment: This sequence change creates a premature translational stop signal (p.Tyr645*) in the PDE6B gene. It is expected to result in an absent or disrupted protein product. Loss-of-function variants in PDE6B are known to be pathogenic (PMID: 8394174, 8595886, 22334370). This variant is not present in population databases (gnomAD no frequency). This variant has not been reported in the literature in individuals affected with PDE6B-related conditions. ClinVar contains an entry for this variant (Variation ID: 866506). For these reasons, this variant has been classified as Pathogenic.

Blueprint Genetics
Classification: Pathogenic for PDE6B-related disorders. Last evaluated: 2018-12-18. Review status: criteria provided, single submitter. Criteria: ACMG Guidelines, 2015. Collection method: clinical testing. Allele origin: germline. Affected: yes. Observed: 3 variant alleles.

Literature cited by the submitters: PubMed 8394174 (cited by Labcorp Genetics (formerly Invitae), Labcorp); PubMed 8595886 (cited by Labcorp Genetics (formerly Invitae), Labcorp); PubMed 22334370 (cited by Labcorp Genetics (formerly Invitae), Labcorp).

NM_000283.4(PDE6B):c.1935C>A (p.Tyr645Ter)

Gene: PDE6B (phosphodiesterase 6B; plus strand). Cytogenetic location: 4p16.3.
Variant type: single nucleotide variant.
Coding change: c.1935C>A on transcript NM_000283.4 (MANE Select); coding-DNA position 1935, C replaced by A.
Protein change: p.Tyr645Ter; replaces tyrosine 645 with a stop codon.
Molecular consequence: nonsense.
Genome position (GRCh38, 1-based): chr4:663,784, C>A. VCF-style: chr4-663784-C-A. GRCh37 (hg19) VCF-style: chr4-657573-C-A.
Other names: c.1935C>A, p.Tyr645Ter (NM_001145291.2); c.1098C>A, p.Tyr366Ter (NM_001145292.2, NM_001350154.3, NM_001379246.1 and 1 more transcripts); c.780C>A, p.Tyr260Ter (NM_001350155.3); short protein forms Y366*, Y260*, Y645*.
Identifiers: ClinVar variation 866506 (VCV000866506.7), dbSNP rs1737429976, ClinGen allele CA355918184.